The following is an entry in ClinVar:

ClinVar aggregate classification (germline): Conflicting classifications of pathogenicity. Review status: criteria provided, conflicting classifications (1 of 4 stars). 4 submissions from 4 submitters: Uncertain significance (3); Likely benign (1). Last evaluated 2025-03-06.

Conditions:
Inborn genetic diseases. Identifiers: MedGen C0950123, MeSH D030342.
Landau-Kleffner syndrome (FESD). Also called: EPILEPSY, FOCAL, WITH SPEECH DISORDER AND WITH OR WITHOUT MENTAL RETARDATION; APHASIA, ACQUIRED, WITH EPILEPSY. Identifiers: Orphanet 1945, Orphanet 725, Orphanet 98818, MedGen C0282512, MONDO:0009509, OMIM 245570.

Allele frequency attached by ClinVar (database versions not stated): gnomAD exomes 0.00001 and below 0.00001; TOPMed below 0.00001; gnomAD 0.00001.
gnomAD v4.1: 14 of 1,614,008 alleles (0.00087%); highest among the groups gnomAD compares: African/African-American, 0.0027%; no homozygotes.

Submissions (4):

ARUP Laboratories, Molecular Genetics and Genomics, ARUP Laboratories
Classification: Uncertain significance for Landau-Kleffner syndrome. Last evaluated: 2025-03-06. Review status: criteria provided, single submitter. Criteria: ARUP Molecular Germline Variant Investigation Process 2024. Collection method: clinical testing. Allele origin: germline.

Revvity Omics, Revvity
Classification: Uncertain significance for Landau-Kleffner syndrome. Last evaluated: 2025-01-07. Review status: criteria provided, single submitter. Criteria: ACMG Guidelines, 2015. Collection method: clinical testing. Allele origin: germline.

Labcorp Genetics (formerly Invitae), Labcorp
Classification: Likely benign for Landau-Kleffner syndrome. Last evaluated: 2024-11-18. Review status: criteria provided, single submitter. Criteria: Invitae Variant Classification Sherloc (09022015). Collection method: clinical testing. Allele origin: germline.

Ambry Genetics
Classification: Uncertain significance for Inborn genetic diseases. Last evaluated: 2018-12-19. Review status: criteria provided, single submitter. Criteria: Ambry Variant Classification Scheme 2023. Collection method: clinical testing. Allele origin: germline.
Comment: The p.F195L variant (also known as c.583T>C), located in coding exon 2 of the GRIN2A gene, results from a T to C substitution at nucleotide position 583. The phenylalanine at codon 195 is replaced by leucine, an amino acid with highly similar properties. This amino acid position is highly conserved in available vertebrate species. In addition, this alteration is predicted to be deleterious by in silico analysis. Since supporting evidence is limited at this time, the clinical significance of this alteration remains unclear.

NM_001134407.3(GRIN2A):c.583T>C (p.Phe195Leu)

Gene: GRIN2A (glutamate ionotropic receptor NMDA type subunit 2A; minus strand). Cytogenetic location: 16p13.2.
Variant type: single nucleotide variant.
Coding change: c.583T>C on transcript NM_001134407.3 (MANE Select); coding-DNA position 583, T replaced by C.
Protein change: p.Phe195Leu; replaces phenylalanine 195 with leucine.
Molecular consequence: missense variant.
Genome position (GRCh38, 1-based): chr16:9,938,383, A>G on the plus strand (T>C on the coding strand, the complement: GRIN2A is on the minus strand). VCF-style: chr16-9938383-A-G. GRCh37 (hg19) VCF-style: chr16-10032240-A-G.
Other names: c.583T>C, p.Phe195Leu (NM_000833.5, NM_001134408.2); short protein forms F195L.
Identifiers: ClinVar variation 1553409 (VCV001553409.12), dbSNP rs1445598953, ClinGen allele CA394798951.